The following is an entry in ClinVar:

ClinVar aggregate classification (germline): Uncertain significance (1 of 4 stars; one submission).

Conditions:
Inborn genetic diseases. Identifiers: MedGen C0950123, MeSH D030342.

Submission:

Ambry Genetics
Classification: Uncertain significance for Inborn genetic diseases. Last evaluated: 2022-03-31. Review status: criteria provided, single submitter. Criteria: Ambry Variant Classification Scheme 2023. Collection method: clinical testing. Allele origin: germline.
Comment: The p.R211W variant (also known as c.631C>T), located in coding exon 5 of the DST gene, results from a C to T substitution at nucleotide position 631. The arginine at codon 211 is replaced by tryptophan, an amino acid with dissimilar properties. This amino acid position is highly conserved in available vertebrate species. In addition, this alteration is predicted to be deleterious by in silico analysis. Since supporting evidence is limited at this time, the clinical significance of this alteration remains unclear.

NM_001374736.1(DST):c.631C>T (p.Arg211Trp)

Gene: DST (dystonin; minus strand). Cytogenetic location: 6p12.1.
Variant type: single nucleotide variant.
Coding change: c.631C>T on transcript NM_001374736.1 (MANE Select); coding-DNA position 631, C replaced by T.
Protein change: p.Arg211Trp; replaces arginine 211 with tryptophan.
Molecular consequence: missense variant.
Genome position (GRCh38, 1-based): chr6:56,735,284, G>A on the plus strand (C>T on the coding strand, the complement: DST is on the minus strand). VCF-style: chr6-56735284-G-A. GRCh37 (hg19) VCF-style: chr6-56600082-G-A.
Other names: c.631C>T, p.Arg211Trp (NM_001144769.5, NM_001374722.1); c.217C>T, p.Arg73Trp (NM_001144770.2); c.97C>T, p.Arg33Trp (NM_001374729.1, NM_001374730.1, NM_001386100.1 and 1 more transcripts); c.658C>T, p.Arg220Trp (NM_001374734.1); short protein forms R220W, R33W, R73W, R211W.
Identifiers: ClinVar variation 1752834 (VCV001752834.2), dbSNP rs773990518, ClinGen allele CA139702828.